The following is an entry in ClinVar:

NM_001367624.2(ZNF469):c.3958C>T (p.Pro1320Ser)

Gene: ZNF469 (zinc finger protein 469; plus strand). Cytogenetic location: 16q24.2.
Variant type: single nucleotide variant.
Coding change: c.3958C>T on transcript NM_001367624.2 (MANE Select); coding-DNA position 3958, C replaced by T.
Protein change: p.Pro1320Ser; replaces proline 1320 with serine.
Molecular consequence: missense variant.
Genome position (GRCh38, 1-based): chr16:88,431,428, C>T. VCF-style: chr16-88431428-C-T. GRCh37 (hg19) VCF-style: chr16-88497836-C-T.
Other names: NM_001127464.1:c.3874C>T; short protein forms P1320S.
Identifiers: ClinVar variation 3821094 (VCV003821094.1).
Genomic context (GRCh38, chr16:88,431,428, plus strand): 5'-AGCCTGCTGGGTGGTCCTGGGGGCACACAGGCCCCAGTCTCCCACAACAGCAAGGACCCC[C>T]CTGCCCGCCAGCCTGGAGAATTTCTGGCACCCGTGGCTAACCCCTCAAGTACCGCCTGCC-3'
Protein context (NP_001354553.1, residues 1310-1330): APVSHNSKDP[Pro1320Ser]ARQPGEFLAP

ClinVar aggregate classification (germline): Uncertain significance (1 of 4 stars; one submission).

Conditions:
Cardiovascular phenotype. Identifiers: MedGen CN230736.

gnomAD v4.1: 2 of 1,550,374 alleles (0.00013%); highest among the groups gnomAD compares: East Asian, 0.0049%; no homozygotes.

Submission:

Ambry Genetics
Classification: Uncertain significance for Cardiovascular phenotype. Last evaluated: 2024-12-20. Review status: criteria provided, single submitter. Criteria: Ambry Variant Classification Scheme 2023. Collection method: clinical testing. Allele origin: germline.
Comment: The p.P1292S variant (also known as c.3874C>T), located in coding exon 2 of the ZNF469 gene, results from a C to T substitution at nucleotide position 3874. The proline at codon 1292 is replaced by serine, an amino acid with similar properties. This amino acid position is conserved. In addition, this alteration is predicted to be tolerated by in silico analysis. Based on the available evidence, the clinical significance of this variant remains unclear.